The following is an entry in ClinVar:

NM_005861.4(STUB1):c.134C>A (p.Ala45Glu)

Gene: STUB1 (STIP1 homology and U-box containing protein 1; plus strand). Cytogenetic location: 16p13.3.
Variant type: single nucleotide variant.
Coding change: c.134C>A on transcript NM_005861.4 (MANE Select); coding-DNA position 134, C replaced by A.
Protein change: p.Ala45Glu; replaces alanine 45 with glutamic acid.
Molecular consequence: missense variant. On other transcripts: 5 prime UTR variant (1).
Genome position (GRCh38, 1-based): chr16:680,659, C>A. VCF-style: chr16-680659-C-A. GRCh37 (hg19) VCF-style: chr16-730659-C-A.
Other names: c.-172C>A (NM_001293197.2); short protein forms A45E.
Identifiers: ClinVar variation 1333421 (VCV001333421.1), dbSNP rs2151503733, ClinGen allele CA394110023.

ClinVar aggregate classification (germline): Uncertain significance (1 of 4 stars; one submission).

Conditions:
Spinocerebellar ataxia 48. Identifiers: Orphanet 631103, MedGen C4748158, MONDO:0032526, OMIM 618093.

gnomAD v4.1: 2 of 1,300,552 alleles (0.00015%); highest among the groups gnomAD compares: African/African-American, 0.0015%; no homozygotes.

Submission:

3billion
Classification: Uncertain significance for Spinocerebellar ataxia 48. Last evaluated: 2022-01-03. Review status: criteria provided, single submitter. Criteria: ACMG Guidelines, 2015. Collection method: clinical testing. Allele origin: germline. Affected: yes. Observed: 1 heterozygote.
Comment: The variant not observed in the gnomAD v2.1.1 dataset (PM2_M). In silico tool predictions suggest damaging effect of the variant on gene or gene product (REVEL: 0.841, 3CNET: 0.861, PP3_P). A missense variant is a common mechanism associated with Spinocerebellar ataxia 48 (PP2_P). Therefore, this variant is classified as uncertain significance according to the recommendation of ACMG/AMP guideline.